The following is an entry in ClinVar:

ClinVar aggregate classification (germline): Uncertain significance (1 of 4 stars; one submission).

Allele frequency attached by ClinVar (database versions not stated): gnomAD exomes below 0.00001 and 0.00001; gnomAD 0.00001.
gnomAD v4.1: 3 of 1,614,066 alleles (0.00019%); highest among the groups gnomAD compares: Admixed American, 0.005%; no homozygotes.

Submission:

GeneDx
Classification: Uncertain significance. Last evaluated: 2020-01-21. Review status: criteria provided, single submitter. Criteria: GeneDx Variant Classification Process June 2021. Collection method: clinical testing. Allele origin: germline. Affected: yes.
Comment: Not observed at a significant frequency in large population cohorts (Lek et al., 2016); In silico analysis, which includes protein predictors and evolutionary conservation, supports a deleterious effect; Has not been previously published as pathogenic or benign to our knowledge

NM_003383.5(VLDLR):c.829A>C (p.Thr277Pro)

Gene: VLDLR (very low density lipoprotein receptor; plus strand). Cytogenetic location: 9p24.2.
Variant type: single nucleotide variant.
Coding change: c.829A>C on transcript NM_003383.5 (MANE Select); coding-DNA position 829, A replaced by C.
Protein change: p.Thr277Pro; replaces threonine 277 with proline.
Molecular consequence: missense variant.
Genome position (GRCh38, 1-based): chr9:2,643,636, A>C. VCF-style: chr9-2643636-A-C. GRCh37 (hg19) VCF-style: chr9-2643636-A-C.
Other names: c.829A>C, p.Thr277Pro (NM_001018056.3); c.706A>C, p.Thr236Pro (NM_001322225.2, NM_001322226.2); short protein forms T236P, T277P.
Identifiers: ClinVar variation 1312029 (VCV001312029.2), dbSNP rs1021503222, ClinGen allele CA187952642.